The following is an entry in ClinVar:

ClinVar aggregate classification (germline): Pathogenic (1 of 4 stars; one submission).

Conditions:
Familial cancer of breast. Also called: hereditary breast carcinoma; Hereditary breast cancer; BREAST CANCER, FAMILIAL. Identifiers: Orphanet 227535, MedGen C0346153, MONDO:0016419, OMIM 114480. Disease mechanism: loss of function.

Allele frequency attached by ClinVar (database versions not stated): gnomAD exomes below 0.00001.
gnomAD v4.1: 1 of 1,613,992 alleles (0.000062%); highest among the groups gnomAD compares: Non-Finnish European, 0.000085%; no homozygotes.

Submission:

Labcorp Genetics (formerly Invitae), Labcorp
Classification: Pathogenic for Familial cancer of breast. Last evaluated: 2023-05-04. Review status: criteria provided, single submitter. Criteria: Invitae Variant Classification Sherloc (09022015). Collection method: clinical testing. Allele origin: germline.
Comment: For these reasons, this variant has been classified as Pathogenic. This variant has not been reported in the literature in individuals affected with CHEK2-related conditions. This variant is not present in population databases (gnomAD no frequency). This sequence change creates a premature translational stop signal (p.Lys241*) in the CHEK2 gene. It is expected to result in an absent or disrupted protein product. Loss-of-function variants in CHEK2 are known to be pathogenic (PMID: 21876083, 24713400).

Literature cited by the submitters: PubMed 21876083; PubMed 24713400.

NM_007194.4(CHEK2):c.721A>T (p.Lys241Ter)

Gene: CHEK2 (checkpoint kinase 2; minus strand). Cytogenetic location: 22q12.1.
Variant type: single nucleotide variant.
Coding change: c.721A>T on transcript NM_007194.4 (MANE Select); coding-DNA position 721, A replaced by T.
Protein change: p.Lys241Ter; replaces lysine 241 with a stop codon.
Molecular consequence: nonsense.
Genome position (GRCh38, 1-based): chr22:28,711,980, T>A on the plus strand (A>T on the coding strand, the complement: CHEK2 is on the minus strand). VCF-style: chr22-28711980-T-A. GRCh37 (hg19) VCF-style: chr22-29107968-T-A.
Other names: c.850A>T, p.Lys284Ter (NM_001005735.3); c.58A>T, p.Lys20Ter (NM_001257387.3); c.520A>T, p.Lys174Ter (NM_001349956.3); c.721A>T, p.Lys241Ter (NM_145862.3); short protein forms K241*, K20*, K284*, K174*.
Identifiers: ClinVar variation 2861966 (VCV002861966.3), dbSNP rs1555921240, ClinGen allele CA411103349.